The following is an entry in ClinVar:

ClinVar aggregate classification (germline): Pathogenic (1 of 4 stars; one submission).

Submission:

Labcorp Genetics (formerly Invitae), Labcorp
Classification: Pathogenic. Last evaluated: 2022-12-31. Review status: criteria provided, single submitter. Criteria: Invitae Variant Classification Sherloc (09022015). Collection method: clinical testing. Allele origin: unknown.
Comment: For these reasons, this variant has been classified as Pathogenic. This variant has not been reported in the literature in individuals affected with OTOF-related conditions. This variant is a gross deletion of the genomic region encompassing exon(s) 12 of the OTOF gene. This deletion is out-of-frame, and is expected to create a premature termination codon and result in an absent or disrupted protein product. Loss-of-function variants in OTOF are known to be pathogenic (PMID: 18381613, 19250381, 22575033).

Literature cited by the submitters: PubMed 18381613; PubMed 19250381; PubMed 22575033.

NC_000002.11:g.(?_26707322)_(26707521_?)del

Gene: OTOF (otoferlin; minus strand). Cytogenetic location: 2p23.3.
Variant type: Deletion.
Identifiers: ClinVar variation 3247607 (VCV003247607.1).